The following is an entry in ClinVar:

NM_000540.3(RYR1):c.4578G>A (p.Met1526Ile)

Gene: RYR1 (ryanodine receptor 1; plus strand). Cytogenetic location: 19q13.2.
Variant type: single nucleotide variant.
Coding change: c.4578G>A on transcript NM_000540.3 (MANE Select); coding-DNA position 4578, G replaced by A.
Protein change: p.Met1526Ile; replaces methionine 1526 with isoleucine.
Molecular consequence: missense variant.
Genome position (GRCh38, 1-based): chr19:38,478,558, G>A. VCF-style: chr19-38478558-G-A. GRCh37 (hg19) VCF-style: chr19-38969198-G-A.
Other names: c.4578G>A, p.Met1526Ile (NM_001042723.2); short protein forms M1526I.
Identifiers: ClinVar variation 1675740 (VCV001675740.41), dbSNP rs769254362, ClinGen allele CA066208.

ClinVar aggregate classification (germline): Uncertain significance. Review status: criteria provided, multiple submitters, no conflicts (2 of 4 stars). 5 submissions from 5 submitters: Uncertain significance (5). Last evaluated 2025-11-17.

Conditions:
Malignant hyperthermia, susceptibility to, 1 (MHS1). Also called: Malignant hyperthermia suceptibility 1; Anesthesia related hyperthermia; Malignant hyperpyrexia; Fulminating hyperpyrexia; Pharmacogenic myopathy; RYR1-Related Malignant Hyperthermia Susceptibility. Identifiers: Orphanet 423, MedGen C2930980, MONDO:0007783, OMIM 145600.
RYR1-related disorder. Also called: RYR1-related condition; RYR1-related disorders. Identifiers: MedGen CN239331.

Allele frequency attached by ClinVar (database versions not stated): TOPMed below 0.00001; ExAC 0.00001; gnomAD 0.00001; gnomAD exomes 0.00001.

Submissions (5):

Labcorp Genetics (formerly Invitae), Labcorp
Classification: Uncertain significance for RYR1-related disorder. Last evaluated: 2025-11-17. Review status: criteria provided, single submitter. Criteria: Invitae Variant Classification Sherloc (09022015). Collection method: clinical testing. Allele origin: germline.
Comment: This sequence change replaces methionine, which is neutral and non-polar, with isoleucine, which is neutral and non-polar, at codon 1526 of the RYR1 protein (p.Met1526Ile). This variant is present in population databases (rs769254362, gnomAD 0.002%). This variant has not been reported in the literature in individuals affected with RYR1-related conditions. ClinVar contains an entry for this variant (Variation ID: 1675740). Invitae Evidence Modeling of protein sequence and biophysical properties (such as structural, functional, and spatial information, amino acid conservation, physicochemical variation, residue mobility, and thermodynamic stability) indicates that this missense variant is not expected to disrupt RYR1 protein function with a negative predictive value of 80%. In summary, the available evidence is currently insufficient to determine the role of this variant in disease. Therefore, it has been classified as a Variant of Uncertain Significance.

ARUP Laboratories, Molecular Genetics and Genomics, ARUP Laboratories
Classification: Uncertain significance. Last evaluated: 2024-09-20. Review status: criteria provided, single submitter. Criteria: ARUP Molecular Germline Variant Investigation Process 2024. Collection method: clinical testing. Allele origin: germline.
Comment: The RYR1 c.4578G>A; p.Met1526Ile variant (rs769254362), to our knowledge, is not reported in the medical literature but is reported in ClinVar (Variation ID: 1675740). This variant is only observed on three alleles in the Genome Aggregation Database (v2.1.1), indicating it is not a common polymorphism. Computational analyses are uncertain whether this variant is neutral or deleterious (REVEL: 0.159). Due to limited information, the clinical significance of this variant is uncertain at this time.

All of Us Research Program, National Institutes of Health
Classification: Uncertain significance for Malignant hyperthermia, susceptibility to, 1. Last evaluated: 2024-07-20. Review status: criteria provided, single submitter. Criteria: ACMG Guidelines, 2015. Collection method: clinical testing. Allele origin: germline. Inheritance: Autosomal dominant inheritance. Observed: 2 variant alleles, 2 heterozygotes.
Comment: This missense variant replaces methionine with isoleucine at codon 1526 of the RYR1 protein. Computational prediction suggests that this variant may not impact protein structure and function (internally defined REVEL score threshold <= 0.5, PMID: 27666373). To our knowledge, functional studies have not been reported for this variant. This variant has not been reported in individuals affected with RYR1-related disorders in the literature. This variant has been identified in 3/282600 chromosomes in the general population by the Genome Aggregation Database (gnomAD). The available evidence is insufficient to determine the role of this variant in disease conclusively. Therefore, this variant is classified as a Variant of Uncertain Significance.

This study involves interpretation of variants in research participants for the purpose of population health screening. Participant phenotype was not available at the time of variant classification. Additional details can be found in publication PMID: 35346344, PMCID: PMC8962531

Color Diagnostics, LLC DBA Color Health
Classification: Uncertain significance for Malignant hyperthermia, susceptibility to, 1. Last evaluated: 2024-07-10. Review status: criteria provided, single submitter. Criteria: ACMG Guidelines, 2015. Collection method: clinical testing. Allele origin: germline.
Comment: This missense variant replaces methionine with isoleucine at codon 1526 of the RYR1 protein. Computational prediction suggests that this variant may not impact protein structure and function. To our knowledge, functional studies have not been reported for this variant. This variant has not been reported in individuals affected with RYR1-related disorders in the literature. This variant has been identified in 3/282600 chromosomes in the general population by the Genome Aggregation Database (gnomAD). The available evidence is insufficient to determine the role of this variant in disease conclusively. Therefore, this variant is classified as a Variant of Uncertain Significance.

CeGaT Center for Human Genetics Tuebingen
Classification: Uncertain significance. Last evaluated: 2023-05-01. Review status: criteria provided, single submitter. Criteria: CeGaT Center For Human Genetics Tuebingen Variant Classification Criteria Version 2. Collection method: clinical testing. Allele origin: germline. Affected: yes. Observed: 2 variant alleles.
Comment: RYR1: PM2, PM3:Supporting